The following is an entry in ClinVar:

ClinVar aggregate classification (germline): Uncertain significance. Review status: criteria provided, multiple submitters, no conflicts (2 of 4 stars). 2 submissions from 2 submitters: Uncertain significance (2). Last evaluated 2026-02-25.

Conditions:
Legius syndrome. Identifiers: Orphanet 137605, MedGen C1969623, MONDO:0012669, OMIM 611431. Disease mechanism: loss of function.

Allele frequency attached by ClinVar (database versions not stated): gnomAD exomes below 0.00001; TOPMed below 0.00001; gnomAD 0.00001.
gnomAD v4.1: 2 of 1,611,656 alleles (0.00012%); highest among the groups gnomAD compares: Admixed American, 0.0017%; no homozygotes.

Submissions (2):

GeneDx
Classification: Uncertain significance. Last evaluated: 2026-02-25. Review status: criteria provided, single submitter. Criteria: GeneDx Variant Classification Process June 2021. Collection method: clinical testing. Allele origin: germline.
Comment: Not observed at significant frequency in large population cohorts (gnomAD); In silico analysis supports that this missense variant has a deleterious effect on protein structure/function; Has not been previously published as pathogenic or benign to our knowledge

Labcorp Genetics (formerly Invitae), Labcorp
Classification: Uncertain significance for Legius syndrome. Last evaluated: 2024-03-11. Review status: criteria provided, single submitter. Criteria: Invitae Variant Classification Sherloc (09022015). Collection method: clinical testing. Allele origin: germline.
Comment: This sequence change replaces glycine, which is neutral and non-polar, with arginine, which is basic and polar, at codon 136 of the SPRED1 protein (p.Gly136Arg). This variant is not present in population databases (gnomAD no frequency). This variant has not been reported in the literature in individuals affected with SPRED1-related conditions. ClinVar contains an entry for this variant (Variation ID: 468797). Advanced modeling performed at Invitae incorporating data from internal and/or published experimental studies (Invitae) indicates that this missense variant is not expected to disrupt SPRED1 function with a negative predictive value of 95%. In summary, the available evidence is currently insufficient to determine the role of this variant in disease. Therefore, it has been classified as a Variant of Uncertain Significance.

NM_152594.3(SPRED1):c.406G>A (p.Gly136Arg)

Gene: SPRED1 (sprouty related EVH1 domain containing 1; plus strand). Cytogenetic location: 15q14.
Variant type: single nucleotide variant.
Coding change: c.406G>A on transcript NM_152594.3 (MANE Select); coding-DNA position 406, G replaced by A.
Protein change: p.Gly136Arg; replaces glycine 136 with arginine.
Molecular consequence: missense variant.
Genome position (GRCh38, 1-based): chr15:38,324,792, G>A. VCF-style: chr15-38324792-G-A. GRCh37 (hg19) VCF-style: chr15-38616993-G-A.
Other names: short protein forms G136R.
Identifiers: ClinVar variation 468797 (VCV000468797.8), dbSNP rs1555391158, ClinGen allele CA391932343.